The following is an entry in ClinVar:

ClinVar aggregate classification (germline): Uncertain significance. Review status: criteria provided, multiple submitters, no conflicts (2 of 4 stars). 2 submissions from 2 submitters: Uncertain significance (2). Last evaluated 2024-04-29.

Conditions:
Vitamin D hydroxylation-deficient rickets, type 1B. Also called: PSEUDOVITAMIN D3 DEFICIENCY RICKETS DUE TO 25-HYDROXYLASE DEFICIENCY; VITAMIN D-DEPENDENT RICKETS, TYPE 1B; Rickets due to Defect in Vitamin D 25-hydroxylation. Identifiers: Orphanet 289157, MedGen C1838657, MONDO:0010810, OMIM 600081.

Allele frequency attached by ClinVar (database versions not stated): gnomAD 0.00005; ESP Exome Variant Server 0.00008.
gnomAD v4.1: 80 of 1,611,814 alleles (0.005%); highest among the groups gnomAD compares: Non-Finnish European, 0.0065%; no homozygotes.

Submissions (2):

Fulgent Genetics
Classification: Uncertain significance for Vitamin D hydroxylation-deficient rickets, type 1B. Last evaluated: 2024-04-29. Review status: criteria provided, single submitter. Criteria: ACMG Guidelines, 2015. Collection method: clinical testing. Allele origin: germline.

Labcorp Genetics (formerly Invitae), Labcorp
Classification: Uncertain significance. Last evaluated: 2022-05-13. Review status: criteria provided, single submitter. Criteria: Invitae Variant Classification Sherloc (09022015). Collection method: clinical testing. Allele origin: germline.
Comment: This sequence change replaces proline, which is neutral and non-polar, with threonine, which is neutral and polar, at codon 41 of the CYP2R1 protein (p.Pro41Thr). This variant is present in population databases (rs147467617, gnomAD 0.01%). This variant has not been reported in the literature in individuals affected with CYP2R1-related conditions. Algorithms developed to predict the effect of missense changes on protein structure and function are either unavailable or do not agree on the potential impact of this missense change (SIFT: "Deleterious"; PolyPhen-2: "Probably Damaging"; Align-GVGD: "Class C0"). In summary, the available evidence is currently insufficient to determine the role of this variant in disease. Therefore, it has been classified as a Variant of Uncertain Significance.

NM_024514.5(CYP2R1):c.121C>A (p.Pro41Thr)

Genes: CYP2R1 (cytochrome P450 family 2 subfamily R member 1; minus strand), PDE3B (phosphodiesterase 3B; plus strand). Cytogenetic location: 11p15.2.
Variant type: single nucleotide variant.
Coding change: c.121C>A on transcript NM_024514.5 (MANE Select); coding-DNA position 121, C replaced by A.
Protein change: p.Pro41Thr; replaces proline 41 with threonine.
Molecular consequence: missense variant. On other transcripts: intron variant (1).
Genome position (GRCh38, 1-based): chr11:14,892,085, G>T on the plus strand (C>A on the coding strand, the complement: CYP2R1 is on the minus strand). VCF-style: chr11-14892085-G-T. GRCh37 (hg19) VCF-style: chr11-14913631-G-T.
Other names: c.-121+280C>A (NM_001400558.1); short protein forms P41T.
Identifiers: ClinVar variation 2414155 (VCV002414155.4), dbSNP rs147467617, ClinGen allele CA5896801.
Genomic context (GRCh38, chr11:14,892,085, plus strand): 5'-GCTCGGATGAGGCTGCCAGGGAATAGATGTTGCCGATAAATGGCAGCCCCGGCGGCCCCG[G>T]GGGGAAGCCCATCGGCCGCCTCTGCTTCAGCAGCTGGCGGACCCCTAGCGCGAAGAGCAG-3'
Protein context (NP_078790.2, residues 31-51): LKQRRPMGFP[Pro41Thr]GPPGLPFIGN